The following is an entry in ClinVar:

ClinVar aggregate classification (germline): Likely benign. Review status: criteria provided, multiple submitters, no conflicts (2 of 4 stars). 3 submissions from 3 submitters: Likely benign (3). Last evaluated 2026-06-01.

Conditions:
Multiple congenital exostosis (EXT). Also called: Hereditary multiple osteochondromas; MULTIPLE CARTILAGINOUS EXOSTOSES; Multiple osteochondromas; Hereditary multiple exostoses; Hereditary multiple exostosis; Multiple exostoses. Identifiers: Orphanet 321, MedGen C0015306, MONDO:0005508, HP:0002762.

Allele frequency attached by ClinVar (database versions not stated): ExAC 0.00001; gnomAD exomes 0.00001; TOPMed 0.00001; gnomAD 0.00002 and 0.00003.
gnomAD v4.1: 13 of 1,613,996 alleles (0.00081%); highest among the groups gnomAD compares: South Asian, 0.0066%; no homozygotes.

Submissions (3):

CeGaT Center for Human Genetics Tuebingen
Classification: Likely benign. Last evaluated: 2026-06-01. Review status: criteria provided, single submitter. Criteria: CeGaT Center For Human Genetics Tuebingen Variant Classification Criteria Version 2. Collection method: clinical testing. Allele origin: germline. Affected: yes. Observed: 1 variant allele.
Comment: EXT1: BP4, BP7

Labcorp Genetics (formerly Invitae), Labcorp
Classification: Likely benign for Multiple congenital exostosis. Last evaluated: 2024-05-01. Review status: criteria provided, single submitter. Criteria: Invitae Variant Classification Sherloc (09022015). Collection method: clinical testing. Allele origin: germline.

Blueprint Genetics
Classification: Likely benign. Last evaluated: 2023-01-24. Review status: criteria provided, single submitter. Criteria: ACMG Guidelines, 2015. Collection method: clinical testing. Allele origin: germline.

NM_000127.3(EXT1):c.1608C>T (p.Val536=)

Gene: EXT1 (exostosin glycosyltransferase 1; minus strand). Cytogenetic location: 8q24.11.
Variant type: single nucleotide variant.
Coding change: c.1608C>T on transcript NM_000127.3 (MANE Select); coding-DNA position 1608, C replaced by T.
Protein change: p.Val536=; no amino-acid change (valine 536 retained).
Molecular consequence: synonymous variant.
Genome position (GRCh38, 1-based): chr8:117,818,459, G>A on the plus strand (C>T on the coding strand, the complement: EXT1 is on the minus strand). VCF-style: chr8-117818459-G-A. GRCh37 (hg19) VCF-style: chr8-118830698-G-A.
Identifiers: ClinVar variation 741651 (VCV000741651.11), dbSNP rs761252195, ClinGen allele CA4854088.